The following is an entry in ClinVar:

ClinVar aggregate classification (germline): Conflicting classifications of pathogenicity. Review status: criteria provided, conflicting classifications (1 of 4 stars). 8 submissions from 7 submitters: Uncertain significance (3); Benign (1); Likely benign (3). 1 of the submissions does not count toward it. Last evaluated 2026-02-02.

Conditions:
ABCA4-related disorder. Also called: ABCA4-related condition; ABCA4-related disorders. Identifiers: MedGen CN239167.
Retinal dystrophy. Also called: Inherited retinal dystrophy. Identifiers: Orphanet 71862, MedGen C0854723, MeSH D058499, MONDO:0019118, HP:0000556.
Severe early-childhood-onset retinal dystrophy (STGD1). Also called: Stargardt macular dystrophy; Juvenile onset macular degeneration; Stargardt disease 1; STGD; MACULAR DYSTROPHY WITH FLECKS, TYPE 1. Identifiers: Orphanet 364055, Orphanet 827, MedGen C1855465, MeSH D000080362, MONDO:0009549, OMIM 248200.
Inborn genetic diseases. Identifiers: MedGen C0950123, MeSH D030342.

Allele frequency attached by ClinVar (database versions not stated): gnomAD exomes 0.00007 and 0.00043; gnomAD 0.00014 and 0.00017; TOPMed 0.00018; 1000 Genomes Project 0.00100; ExAC 0.00040; 1000 Genomes Project 30x 0.00078.
gnomAD v4.1: 136 of 1,614,118 alleles (0.0084%); highest among the groups gnomAD compares: East Asian, 0.28%; no homozygotes.

Submissions (8):

Labcorp Genetics (formerly Invitae), Labcorp
Classification: Benign. Last evaluated: 2026-02-02. Review status: criteria provided, single submitter. Criteria: Invitae Variant Classification Sherloc (09022015). Collection method: clinical testing. Allele origin: germline.

Blueprint Genetics
Classification: Likely benign. Last evaluated: 2024-07-16. Review status: criteria provided, single submitter. Criteria: ACMG Guidelines, 2015. Collection method: clinical testing. Allele origin: germline.

Dept Of Ophthalmology, Nagoya University
Classification: Likely benign for Retinal dystrophy. Last evaluated: 2023-10-01. Review status: criteria provided, single submitter. Criteria: Submitter's publication. Collection method: research. Allele origin: germline. Affected: yes.

Ambry Genetics
Classification: Likely benign for Inborn genetic diseases. Last evaluated: 2023-09-19. Review status: criteria provided, single submitter. Criteria: Ambry Variant Classification Scheme 2023. Collection method: clinical testing. Allele origin: germline.

Institute of Human Genetics, Univ. Regensburg, Univ. Regensburg
Classification: Uncertain significance for Retinal dystrophy. Last evaluated: 2019-01-01. Review status: criteria provided, single submitter. Criteria: ACMG Guidelines, 2015. Collection method: clinical testing. Allele origin: germline. Affected: yes.

Illumina Laboratory Services, Illumina
Classification: Uncertain significance for ABCA4-Related Disorders. Last evaluated: 2018-01-12. Review status: criteria provided, single submitter. Criteria: ICSL Variant Classification Criteria 13 December 2019. Collection method: clinical testing. Allele origin: germline.

Institute of Human Genetics, Univ. Regensburg, Univ. Regensburg
Classification: Uncertain significance for Severe early-childhood-onset retinal dystrophy. Last evaluated: 2016-01-01. Review status: criteria provided, single submitter. Criteria: Schulz et al. (Invest Ophthalmol Vis Sci. 2017). Collection method: clinical testing. Allele origin: germline. Affected: yes. Observed: 1 heterozygote.

PreventionGenetics, part of Exact Sciences
Classification: Likely benign for ABCA4-related condition. Last evaluated: 2019-10-17. Review status: no assertion criteria provided. Collection method: clinical testing. Allele origin: germline. Not counted in ClinVar's aggregate classification.
Comment: This variant is classified as likely benign based on ACMG/AMP sequence variant interpretation guidelines (Richards et al. 2015 PMID: 25741868, with internal and published modifications).

Literature cited by the submitters: PubMed 28118664 (cited by Institute of Human Genetics, Univ. Regensburg, Univ. Regensburg).

NM_000350.3(ABCA4):c.1614C>T (p.Ala538=)

Gene: ABCA4 (ATP binding cassette subfamily A member 4; minus strand). Cytogenetic location: 1p22.1.
Variant type: single nucleotide variant.
Coding change: c.1614C>T on transcript NM_000350.3 (MANE Select); coding-DNA position 1614, C replaced by T.
Protein change: p.Ala538=; no amino-acid change (alanine 538 retained).
Molecular consequence: synonymous variant.
Genome position (GRCh38, 1-based): chr1:94,063,258, G>A on the plus strand (C>T on the coding strand, the complement: ABCA4 is on the minus strand). VCF-style: chr1-94063258-G-A. GRCh37 (hg19) VCF-style: chr1-94528814-G-A.
Other names: c.1614C>T, p.Ala538= (NM_001425324.1).
Identifiers: ClinVar variation 236083 (VCV000236083.18), dbSNP rs201602424, ClinGen allele CA958466.